The following is an entry in ClinVar:

NM_000222.3(KIT):c.1583G>A (p.Gly528Asp)

Gene: KIT (KIT proto-oncogene, receptor tyrosine kinase; plus strand). Cytogenetic location: 4q12.
Variant type: single nucleotide variant.
Coding change: c.1583G>A on transcript NM_000222.3 (MANE Select); coding-DNA position 1583, G replaced by A.
Protein change: p.Gly528Asp; replaces glycine 528 with aspartic acid.
Molecular consequence: missense variant.
Genome position (GRCh38, 1-based): chr4:54,727,260, G>A. VCF-style: chr4-54727260-G-A. GRCh37 (hg19) VCF-style: chr4-55593426-G-A.
Other names: c.1571G>A, p.Gly524Asp (NM_001093772.2, NM_001385286.1); c.1586G>A, p.Gly529Asp (NM_001385284.1, NM_001385290.1); c.1583G>A, p.Gly528Asp (NM_001385285.1); c.1574G>A, p.Gly525Asp (NM_001385288.1, NM_001385292.1); short protein forms G528D, G524D, G525D, G529D.
Identifiers: ClinVar variation 578402 (VCV000578402.12), dbSNP rs1226259110, ClinGen allele CA356907008.

ClinVar aggregate classification (germline): Uncertain significance. Review status: criteria provided, multiple submitters, no conflicts (2 of 4 stars). 3 submissions from 3 submitters: Uncertain significance (3). Last evaluated 2025-12-15.

Conditions:
Hereditary cancer-predisposing syndrome. Also called: Hereditary Cancer Syndrome; Tumor predisposition; Neoplastic Syndromes, Hereditary; Hereditary neoplastic syndrome. Identifiers: Orphanet 140162, MedGen C0027672, MeSH D009386, MONDO:0015356.
Gastrointestinal stromal tumor. Also called: Gastrointestinal stromal tumor, somatic; Gastrointestinal stroma tumor. Identifiers: Orphanet 44890, MedGen C0238198, MeSH D046152, MONDO:0011719, OMIM 606764, HP:0100723.

Allele frequency attached by ClinVar (database versions not stated): gnomAD exomes below 0.00001; gnomAD 0.00001; TOPMed 0.00001.

Submissions (3):

Labcorp Genetics (formerly Invitae), Labcorp
Classification: Uncertain significance for Gastrointestinal stromal tumor. Last evaluated: 2025-12-15. Review status: criteria provided, single submitter. Criteria: Invitae Variant Classification Sherloc (09022015). Collection method: clinical testing. Allele origin: germline.
Comment: This sequence change replaces glycine, which is neutral and non-polar, with aspartic acid, which is acidic and polar, at codon 528 of the KIT protein (p.Gly528Asp). This variant is present in population databases (no rsID available, gnomAD 0.0009%). This missense change has been observed in individual(s) with breast cancer (PMID: 36315513). ClinVar contains an entry for this variant (Variation ID: 578402). An algorithm developed to predict the effect of missense changes on protein structure and function (PolyPhen-2) suggests that this variant is likely to be disruptive. In summary, the available evidence is currently insufficient to determine the role of this variant in disease. Therefore, it has been classified as a Variant of Uncertain Significance.

Ambry Genetics
Classification: Uncertain significance for Hereditary cancer-predisposing syndrome. Last evaluated: 2025-02-05. Review status: criteria provided, single submitter. Criteria: Ambry Variant Classification Scheme 2023. Collection method: clinical testing. Allele origin: germline.
Comment: The p.G528D variant (also known as c.1583G>A), located in coding exon 10 of the KIT gene, results from a G to A substitution at nucleotide position 1583. The glycine at codon 528 is replaced by aspartic acid, an amino acid with similar properties. This amino acid position is well conserved in available vertebrate species. In addition, this alteration is predicted to be deleterious by in silico analysis. Based on the available evidence, the clinical significance of this variant remains unclear.

Baylor Genetics
Classification: Uncertain significance for Gastrointestinal stromal tumor. Last evaluated: 2024-03-03. Review status: criteria provided, single submitter. Criteria: ACMG Guidelines, 2015. Collection method: clinical testing. Allele origin: unknown.

Literature cited by the submitters: PubMed 36315513 (cited by Labcorp Genetics (formerly Invitae), Labcorp).